The following is an entry in ClinVar:

ClinVar aggregate classification (germline): Conflicting classifications of pathogenicity. Review status: criteria provided, conflicting classifications (1 of 4 stars). 6 submissions from 6 submitters: Uncertain significance (5); Likely benign (1). Last evaluated 2026-08-28.

Conditions:
PALB2-related disorder. Also called: PALB2-related condition; PALB2-related disorders.
Hereditary cancer-predisposing syndrome. Also called: Tumor predisposition; Neoplastic Syndromes, Hereditary; Hereditary neoplastic syndrome; Hereditary Cancer Syndrome. Identifiers: Orphanet 140162, MedGen C0027672, MeSH D009386, MONDO:0015356.
Familial cancer of breast. Also called: BREAST CANCER, FAMILIAL; Hereditary breast cancer; hereditary breast carcinoma. Identifiers: Orphanet 227535, MedGen C0346153, MONDO:0016419, OMIM 114480. Disease mechanism: loss of function.

Allele frequency attached by ClinVar (database versions not stated): TOPMed below 0.00001; gnomAD exomes 0.00001.
gnomAD v4.1: 9 of 1,614,098 alleles (0.00056%); highest among the groups gnomAD compares: Non-Finnish European, 0.00076%; no homozygotes.

Submissions (6):

PreventionGenetics, part of Exact Sciences
Classification: Uncertain significance for PALB2-related condition. Last evaluated: 2026-08-28. Review status: criteria provided, single submitter. Criteria: ACMG Guidelines, 2015. Collection method: clinical testing. Allele origin: germline.
Comment: The PALB2 c.2947A>T variant is predicted to result in the amino acid substitution p.Thr983Ser. This variant has been reported in an individual with ovarian cancer (Table S4, Ramus et al. 2015. PubMed ID: 26315354) and in several individuals with pancreatic ductal adenocarcinoma (Table A2, Shindo et al. 2017. PubMed ID: 28767289; Hu et al. 2020. PubMed ID: 32659497). This variant is not present in a large population database and has conflicting interpretations in ClinVar ranging from uncertain to likely benign (Variation ID: 142070). At this time, the clinical significance of this variant is uncertain due to the absence of conclusive functional and genetic evidence.

Labcorp Genetics (formerly Invitae), Labcorp
Classification: Uncertain significance for Familial cancer of breast. Last evaluated: 2025-12-22. Review status: criteria provided, single submitter. Criteria: Invitae Variant Classification Sherloc (09022015). Collection method: clinical testing. Allele origin: germline.
Comment: This sequence change replaces threonine, which is neutral and polar, with serine, which is neutral and polar, at codon 983 of the PALB2 protein (p.Thr983Ser). This variant is not present in population databases (gnomAD no frequency). This missense change has been observed in individual(s) with ovarian cancer (PMID: 26315354, 28767289). ClinVar contains an entry for this variant (Variation ID: 142070). Invitae Evidence Modeling of protein sequence and biophysical properties (such as structural, functional, and spatial information, amino acid conservation, physicochemical variation, residue mobility, and thermodynamic stability) indicates that this missense variant is not expected to disrupt PALB2 protein function with a negative predictive value of 80%. In summary, the available evidence is currently insufficient to determine the role of this variant in disease. Therefore, it has been classified as a Variant of Uncertain Significance.

Ambry Genetics
Classification: Likely benign for Hereditary cancer-predisposing syndrome. Last evaluated: 2024-01-08. Review status: criteria provided, single submitter. Criteria: Ambry Variant Classification Scheme 2023. Collection method: clinical testing. Allele origin: germline.

Color Diagnostics, LLC DBA Color Health
Classification: Uncertain significance for Hereditary cancer-predisposing syndrome. Last evaluated: 2022-10-10. Review status: criteria provided, single submitter. Criteria: ACMG Guidelines, 2015. Collection method: clinical testing. Allele origin: germline.
Comment: This missense variant replaces threonine with serine at codon 983 of the PALB2 protein. Computational prediction suggests that this variant may not impact protein structure and function (internally defined REVEL score threshold <= 0.5, PMID: 27666373). To our knowledge, functional studies have not been reported for this variant. This variant has been detected in a breast cancer case-control meta-analysis in 2/60466 cases and 3/53461 unaffected individuals (PMID: 33471991; Leiden Open Variation Database DB-ID PALB2_010812) and at least one individual each affected with ovarian and pancreatic cancer (PMID: 26315354, 28767289). This variant has not been identified in the general population by the Genome Aggregation Database (gnomAD). The available evidence is insufficient to determine the role of this variant in disease conclusively. Therefore, this variant is classified as a Variant of Uncertain Significance.

Quest Diagnostics Nichols Institute San Juan Capistrano
Classification: Uncertain significance. Last evaluated: 2021-08-16. Review status: criteria provided, single submitter. Criteria: Quest Diagnostics criteria. Collection method: clinical testing. Allele origin: unknown.

GeneDx
Classification: Uncertain significance. Last evaluated: 2017-12-04. Review status: criteria provided, single submitter. Criteria: GeneDx Variant Classification (06012015). Collection method: clinical testing. Allele origin: germline. Affected: yes.
Comment: This variant is denoted PALB2 c.2947A>T at the cDNA level, p.Thr983Ser (T983S) at the protein level, and results in the change of a Threonine to a Serine (ACC>TCC). This variant was observed in at least one individual with breast cancer (Decker 2017). PALB2 Thr983Ser was not observed in large population cohorts (Lek 2016). Since Threonine and Serine share similar properties, this is considered a conservative amino acid substitution. PALB2 Thr983Ser is located in the WD3 domain, the region required for interaction with POLH and POLH DNA synthesis stimulation and the region of interaction with RAD51 and BRCA2 (Oliver 2009, Buisson 2010, Buisson 2014, UniProt). In-silico analyses, including protein predictors and evolutionary conservation, support that this variant does not alter protein structure or function. Based on currently available evidence, it is unclear whether PALB2 Thr983Ser is a pathogenic or benign variant. We consider it to be a variant of uncertain significance.

Literature cited by the submitters: PubMed 26315354 (cited by 4 submitters); PubMed 28767289 (cited by 4 submitters); PubMed 33471991 (cited by Color Diagnostics, LLC DBA Color Health); PubMed 28779002 (cited by Quest Diagnostics Nichols Institute San Juan Capistrano); PubMed 32659497 (cited by Quest Diagnostics Nichols Institute San Juan Capistrano).

NM_024675.4(PALB2):c.2947A>T (p.Thr983Ser)

Gene: PALB2 (partner and localizer of BRCA2; minus strand). Cytogenetic location: 16p12.2.
Variant type: single nucleotide variant.
Coding change: c.2947A>T on transcript NM_024675.4 (MANE Select); coding-DNA position 2947, A replaced by T.
Protein change: p.Thr983Ser; replaces threonine 983 with serine.
Molecular consequence: missense variant.
Genome position (GRCh38, 1-based): chr16:23,623,018, T>A on the plus strand (A>T on the coding strand, the complement: PALB2 is on the minus strand). VCF-style: chr16-23623018-T-A. GRCh37 (hg19) VCF-style: chr16-23634339-T-A.
Other names: short protein forms T983S.
Identifiers: ClinVar variation 142070 (VCV000142070.25), dbSNP rs587782211, ClinGen allele CA167318.